The following is an entry in ClinVar:

NM_020708.5(SLC12A5):c.3050del (p.Lys1017fs)

Gene: SLC12A5 (solute carrier family 12 member 5; plus strand). Cytogenetic location: 20q13.12.
Variant type: Deletion.
Coding change: c.3050del on transcript NM_020708.5 (MANE Select); coding-DNA position 3050, one base deleted (A; older notation c.3050delA).
Protein change: p.Lys1017fs; shifts the reading frame from lysine 1017.
Molecular consequence: frameshift variant.
Genome position (GRCh38, 1-based): chr20:46,056,504, A deleted; the last of 2 consecutive A bases (chr20:46,056,503-46,056,504); deleting either gives the same sequence. VCF-style (leftmost placement, unchanged base first): chr20-46056502-GA-G. GRCh37 (hg19) VCF-style: chr20-44685141-GA-G.
Other names: c.3119del, p.Lys1040fs (NM_001134771.2); short protein forms K1017fs, K1040fs.
Identifiers: ClinVar variation 4712630 (VCV004712630.1).

ClinVar aggregate classification (germline): Pathogenic (1 of 4 stars; one submission).

Conditions:
Developmental and epileptic encephalopathy, 34 (DEE34). Also called: Early infantile epileptic encephalopathy 34; SLC12A5-Related Epilepsy of Infancy with Migrating Focal Seizures. Identifiers: Orphanet 293181, MedGen C4225257, MONDO:0014718, OMIM 616645.

Submission:

Labcorp Genetics (formerly Invitae), Labcorp
Classification: Pathogenic for Developmental and epileptic encephalopathy, 34. Last evaluated: 2025-05-05. Review status: criteria provided, single submitter. Criteria: Invitae Variant Classification Sherloc (09022015). Collection method: clinical testing. Allele origin: germline.
Comment: This sequence change creates a premature translational stop signal (p.Lys1017Argfs*19) in the SLC12A5 gene. It is expected to result in an absent or disrupted protein product. Loss-of-function variants in SLC12A5 are known to be pathogenic (PMID: 26333769, 27436767). This variant is not present in population databases (gnomAD no frequency). This variant has not been reported in the literature in individuals affected with SLC12A5-related conditions. For these reasons, this variant has been classified as Pathogenic.

Literature cited by the submitters: PubMed 26333769; PubMed 27436767.